The following is an entry in ClinVar:

ClinVar aggregate classification (germline): Uncertain significance. Review status: criteria provided, multiple submitters, no conflicts (2 of 4 stars). 2 submissions from 2 submitters: Uncertain significance (2). Last evaluated 2025-10-22.

Conditions:
Benign neonatal seizures. Also called: Convulsions benign familial neonatal dominant form; Autosomal dominant form of benign neonatal seizures; Benign neonatal familial convulsions; Benign familial neonatal epilepsy; Benign familial neonatal seizures. Identifiers: Orphanet 1949, MedGen C0220669, MONDO:0016027.

Allele frequency attached by ClinVar (database versions not stated): ExAC 0.00001.
gnomAD v4.1: 3 of 1,613,246 alleles (0.00019%); highest among the groups gnomAD compares: Non-Finnish European, 0.00025%; no homozygotes.

Submissions (2):

GeneDx
Classification: Uncertain significance. Last evaluated: 2025-10-22. Review status: criteria provided, single submitter. Criteria: GeneDx Variant Classification Process June 2021. Collection method: clinical testing. Allele origin: germline.
Comment: Not observed at significant frequency in large population cohorts (gnomAD); In silico analysis supports that this missense variant has a deleterious effect on protein structure/function; Has not been previously published as pathogenic or benign to our knowledge

Labcorp Genetics (formerly Invitae), Labcorp
Classification: Uncertain significance for Benign neonatal seizures. Last evaluated: 2025-05-05. Review status: criteria provided, single submitter. Criteria: Invitae Variant Classification Sherloc (09022015). Collection method: clinical testing. Allele origin: germline.
Comment: This sequence change replaces proline, which is neutral and non-polar, with histidine, which is basic and polar, at codon 576 of the KCNQ3 protein (p.Pro576His). This variant is present in population databases (rs371890934, gnomAD 0.004%). This variant has not been reported in the literature in individuals affected with KCNQ3-related conditions. ClinVar contains an entry for this variant (Variation ID: 2130518). Invitae Evidence Modeling of protein sequence and biophysical properties (such as structural, functional, and spatial information, amino acid conservation, physicochemical variation, residue mobility, and thermodynamic stability) indicates that this missense variant is not expected to disrupt KCNQ3 protein function with a negative predictive value of 80%. In summary, the available evidence is currently insufficient to determine the role of this variant in disease. Therefore, it has been classified as a Variant of Uncertain Significance.

NM_004519.4(KCNQ3):c.1727C>A (p.Pro576His)

Gene: KCNQ3 (potassium voltage-gated channel subfamily Q member 3; minus strand). Cytogenetic location: 8q24.22.
Variant type: single nucleotide variant.
Coding change: c.1727C>A on transcript NM_004519.4 (MANE Select); coding-DNA position 1727, C replaced by A.
Protein change: p.Pro576His; replaces proline 576 with histidine.
Molecular consequence: missense variant.
Genome position (GRCh38, 1-based): chr8:132,134,362, G>T on the plus strand (C>A on the coding strand, the complement: KCNQ3 is on the minus strand). VCF-style: chr8-132134362-G-T. GRCh37 (hg19) VCF-style: chr8-133146609-G-T.
Other names: c.1367C>A, p.Pro456His (NM_001204824.2); c.1727C>A (NM_004519.3); short protein forms P576H, P456H.
Identifiers: ClinVar variation 2130518 (VCV002130518.6), dbSNP rs371890934, ClinGen allele CA4880605.